The following is an entry in ClinVar:

ClinVar aggregate classification (germline): Benign (1 of 4 stars; one submission).

Conditions:
CBL-related disorder. Also called: NOONAN SYNDROME-LIKE DISORDER WITHOUT JUVENILE MYELOMONOCYTIC LEUKEMIA; CBL MUTATION-ASSOCIATED SYNDROME; CBL SYNDROME. Identifiers: Orphanet 363972, MedGen C3150803, MONDO:0013308, OMIM 613563.

Allele frequency attached by ClinVar (database versions not stated): 1000 Genomes Project 0.00060; 1000 Genomes Project 30x 0.00078; TOPMed 0.00096; gnomAD 0.00121 and 0.00123; gnomAD exomes 0.00186.
gnomAD v4.1: 347 of 230,922 alleles (0.15%); highest among the groups gnomAD compares: Middle Eastern, 1.7%; 2 homozygotes.

Submission:

Illumina Laboratory Services, Illumina
Classification: Benign for CBL-related disorder. Last evaluated: 2018-01-13. Review status: criteria provided, single submitter. Criteria: ICSL Variant Classification Criteria 13 December 2019. Collection method: clinical testing. Allele origin: germline.
Comment: This variant was observed in the ICSL laboratory as part of a predisposition screen in an ostensibly healthy population. It had not been previously curated by ICSL or reported in the Human Gene Mutation Database (HGMD: prior to June 1st, 2018), and was therefore a candidate for classification through an automated scoring system. Utilizing variant allele frequency, disease prevalence and penetrance estimates, and inheritance mode, an automated score was calculated to assess if this variant is too frequent to cause the disease. Based on the score and internal cut-off values, a variant classified as benign is not then subjected to further curation. The score for this variant resulted in a classification of benign for this disease.

NM_005188.4(CBL):c.*5717T>G

Gene: CBL (Cbl proto-oncogene; plus strand). Cytogenetic location: 11q23.3.
Variant type: single nucleotide variant.
Coding change: c.*5717T>G on transcript NM_005188.4 (MANE Select); 5717 bases downstream of the stop codon, T replaced by G.
Molecular consequence: 3 prime UTR variant.
Genome position (GRCh38, 1-based): chr11:119,305,498, T>G. VCF-style: chr11-119305498-T-G. GRCh37 (hg19) VCF-style: chr11-119176208-T-G.
Identifiers: ClinVar variation 302868 (VCV000302868.5), dbSNP rs547307186, ClinGen allele CA10630025.
Genomic context (GRCh38, chr11:119,305,498, plus strand): 5'-TCTTCAGGTTTGAGTGCTTGAAAATGTTCATTCTCTGGGCTTGTGGCCTGTCTCCTCCAC[T>G]CTCCTCCTCACCCTCTCGCTCCTTCCTGTGTGAGGGCCGCTCTGCAGTAATGTTCTCAGG-3'